The following is an entry in ClinVar:

NM_000093.5(COL5A1):c.1476C>T (p.Val492=)

Gene: COL5A1 (collagen type V alpha 1 chain; plus strand). Cytogenetic location: 9q34.3.
Variant type: single nucleotide variant.
Coding change: c.1476C>T on transcript NM_000093.5 (MANE Select); coding-DNA position 1476, C replaced by T.
Protein change: p.Val492=; no amino-acid change (valine 492 retained).
Molecular consequence: synonymous variant.
Genome position (GRCh38, 1-based): chr9:134,738,790, C>T. VCF-style: chr9-134738790-C-T. GRCh37 (hg19) VCF-style: chr9-137630636-C-T.
Other names: p.Val492=; c.1476C>T, p.Val492= (NM_001278074.1).
Identifiers: ClinVar variation 236996 (VCV000236996.41), dbSNP rs141093527, ClinGen allele CA5318818.

ClinVar aggregate classification (germline): Benign/Likely benign. Review status: criteria provided, multiple submitters, no conflicts (2 of 4 stars). 10 submissions from 10 submitters: Benign (1); Likely benign (9). Last evaluated 2026-01-14.

Conditions:
Familial thoracic aortic aneurysm and aortic dissection (TAAD). Also called: Thoracic aortic aneurysms and dissections. Identifiers: Orphanet 91387, MedGen C4707243, MONDO:0019625.
Ehlers-Danlos syndrome, classic type, 1 (EDSCL1). Also called: EHLERS-DANLOS SYNDROME, GRAVIS TYPE; EHLERS-DANLOS SYNDROME, SEVERE CLASSIC TYPE; Ehlers-Danlos syndrome, type 1; Ehlers-Danlos Syndrome, Classic Type, COL5A1-Related; EDS I. Identifiers: MedGen C0268335, MONDO:0019567, OMIM 130000.

Allele frequency attached by ClinVar (database versions not stated): ExAC 0.00008; ESP Exome Variant Server 0.00008; gnomAD exomes 0.00009 and 0.00022; TOPMed 0.00011; gnomAD 0.00013.
gnomAD v4.1: 352 of 1,613,678 alleles (0.022%); highest among the groups gnomAD compares: African/African-American, 0.031%; no homozygotes.

Submissions (10):

Labcorp Genetics (formerly Invitae), Labcorp
Classification: Likely benign for Ehlers-Danlos syndrome, classic type, 1. Last evaluated: 2026-01-14. Review status: criteria provided, single submitter. Criteria: Invitae Variant Classification Sherloc (09022015). Collection method: clinical testing. Allele origin: germline.

Mayo Clinic Laboratories, Mayo Clinic
Classification: Likely benign. Last evaluated: 2025-07-14. Review status: criteria provided, single submitter. Criteria: ACMG Guidelines, 2015. Collection method: clinical testing. Allele origin: germline. Observed: 2 variant alleles.
Comment: BP4, BP7

Molecular Diagnostic Laboratory for Inherited Cardiovascular Disease, Montreal Heart Institute
Classification: Likely benign. Last evaluated: 2025-04-09. Review status: criteria provided, single submitter. Criteria: ACMG Guidelines, 2015. Collection method: clinical testing. Allele origin: germline. Affected: no.
Comment: BS1;BP7

CeGaT Center for Human Genetics Tuebingen
Classification: Likely benign. Last evaluated: 2024-10-01. Review status: criteria provided, single submitter. Criteria: CeGaT Center For Human Genetics Tuebingen Variant Classification Criteria Version 2. Collection method: clinical testing. Allele origin: germline. Affected: yes. Observed: 1 variant allele.
Comment: COL5A1: BP4, BP7

Women's Health and Genetics/Laboratory Corporation of America, LabCorp
Classification: Benign. Last evaluated: 2024-08-03. Review status: criteria provided, single submitter. Criteria: LabCorp Variant Classification Summary - May 2015. Collection method: clinical testing. Allele origin: germline.

Blueprint Genetics
Classification: Likely benign. Last evaluated: 2024-07-24. Review status: criteria provided, single submitter. Criteria: ACMG Guidelines, 2015. Collection method: clinical testing. Allele origin: germline.

Ambry Genetics
Classification: Likely benign for Familial thoracic aortic aneurysm and aortic dissection. Last evaluated: 2024-01-30. Review status: criteria provided, single submitter. Criteria: Ambry Variant Classification Scheme 2023. Collection method: clinical testing. Allele origin: germline.

GeneDx
Classification: Likely benign. Last evaluated: 2020-01-24. Review status: criteria provided, single submitter. Criteria: GeneDx Variant Classification Process June 2021. Collection method: clinical testing. Allele origin: germline. Affected: yes.
Comment: This variant is associated with the following publications: (PMID: 29924831)

ARUP Laboratories, Molecular Genetics and Genomics, ARUP Laboratories
Classification: Likely benign. Last evaluated: 2017-01-06. Review status: criteria provided, single submitter. Criteria: ARUP Molecular Germline Variant Investigation Process. Collection method: clinical testing. Allele origin: germline.

PreventionGenetics, part of Exact Sciences
Classification: Likely benign. Review status: criteria provided, single submitter. Criteria: ACMG Guidelines, 2015. Collection method: clinical testing. Allele origin: germline.

Literature cited by the submitters: PubMed 29924831 (cited by Mayo Clinic Laboratories, Mayo Clinic).